The following is an entry in ClinVar:

NM_004364.5(CEBPA):c.998G>C (p.Arg333Pro)

Gene: CEBPA (CCAAT enhancer binding protein alpha; minus strand). Cytogenetic location: 19q13.11.
Variant type: single nucleotide variant.
Coding change: c.998G>C on transcript NM_004364.5 (MANE Select); coding-DNA position 998, G replaced by C.
Protein change: p.Arg333Pro; replaces arginine 333 with proline.
Molecular consequence: missense variant.
Genome position (GRCh38, 1-based): chr19:33,301,417, C>G on the plus strand (G>C on the coding strand, the complement: CEBPA is on the minus strand). VCF-style: chr19-33301417-C-G. GRCh37 (hg19) VCF-style: chr19-33792323-C-G.
Other names: c.641G>C, p.Arg214Pro (NM_001285829.2); c.1103G>C, p.Arg368Pro (NM_001287424.2); c.956G>C, p.Arg319Pro (NM_001287435.2); short protein forms R214P, R319P, R333P, R368P.
Identifiers: ClinVar variation 4611111 (VCV004611111.1).
Genomic context (GRCh38, chr19:33,301,417, plus strand): 5'-GCCTTGACCAAGGAGCTCTCTGGCAGCTGGCGGAAGATGCCCCGCAGCGTGTCCAGTTCG[C>G]GGCTCAGCTGTTCCACCCGCTTGCGCAGGCGGTCATTGTCACTGGTCAGCTCCAGCACCT-3'
Protein context (NP_004355.2, residues 323-343): RLRKRVEQLS[Arg333Pro]ELDTLRGIFR

ClinVar aggregate classification (germline): Uncertain significance (1 of 4 stars; one submission).

Conditions:
Inborn genetic diseases. Identifiers: MedGen C0950123, MeSH D030342.

Submission:

Ambry Genetics
Classification: Uncertain significance for Inborn genetic diseases. Last evaluated: 2025-10-16. Review status: criteria provided, single submitter. Criteria: Ambry Variant Classification Scheme 2023. Collection method: clinical testing. Allele origin: germline.
Comment: The p.R333P variant (also known as c.998G>C), located in coding exon 1 of the CEBPA gene, results from a G to C substitution at nucleotide position 998. The arginine at codon 333 is replaced by proline, an amino acid with dissimilar properties. This amino acid position is highly conserved in available vertebrate species. In addition, the in silico prediction for this alteration is inconclusive. Based on the available evidence, the clinical significance of this variant remains unclear.